The following is an entry in ClinVar:

NM_000834.5(GRIN2B):c.1378T>G (p.Phe460Val)

Gene: GRIN2B (glutamate ionotropic receptor NMDA type subunit 2B; minus strand). Cytogenetic location: 12p13.1.
Variant type: single nucleotide variant.
Coding change: c.1378T>G on transcript NM_000834.5 (MANE Select); coding-DNA position 1378, T replaced by G.
Protein change: p.Phe460Val; replaces phenylalanine 460 with valine.
Molecular consequence: missense variant.
Genome position (GRCh38, 1-based): chr12:13,615,615, A>C on the plus strand (T>G on the coding strand, the complement: GRIN2B is on the minus strand). VCF-style: chr12-13615615-A-C. GRCh37 (hg19) VCF-style: chr12-13768549-A-C.
Other names: c.1378T>G, p.Phe460Val (NM_001413992.1); short protein forms F460V.
Identifiers: ClinVar variation 2633548 (VCV002633548.1), dbSNP rs2497599833, ClinGen allele CA384052309.

ClinVar aggregate classification (germline): Uncertain significance (1 of 4 stars; one submission).

Conditions:
GRIN2B-related disorder. Also called: GRIN2B-related condition.

Submission:

PreventionGenetics, part of Exact Sciences
Classification: Uncertain significance for GRIN2B-related condition. Last evaluated: 2023-04-01. Review status: criteria provided, single submitter. Criteria: ACMG Guidelines, 2015. Collection method: clinical testing. Allele origin: germline.
Comment: The GRIN2B c.1378T>G variant is predicted to result in the amino acid substitution p.Phe460Val. To our knowledge, this variant has not been reported in the literature or in a large population database, indicating this variant is rare. At this time, the clinical significance of this variant is uncertain due to the absence of conclusive functional and genetic evidence.